The following is an entry in ClinVar:

ClinVar aggregate classification (germline): Benign (0 of 4 stars; one submission).

Conditions:
YTHDC2-related disorder. Also called: YTHDC2-related condition.

Allele frequency attached by ClinVar (database versions not stated): gnomAD exomes 0.52338; ExAC 0.52711; 1000 Genomes Project 0.57089; 1000 Genomes Project 30x 0.58339; gnomAD 0.62261; TOPMed 0.63736; ESP Exome Variant Server 0.64026.
gnomAD v4.1: 857,238 of 1,610,502 alleles (53%); highest among the groups gnomAD compares: African/African-American, 91%; 237,298 homozygotes.

Submission:

PreventionGenetics, part of Exact Sciences
Classification: Benign for YTHDC2-related condition. Last evaluated: 2019-10-17. Review status: no assertion criteria provided. Collection method: clinical testing. Allele origin: germline.
Comment: This variant is classified as benign based on ACMG/AMP sequence variant interpretation guidelines (Richards et al. 2015 PMID: 25741868, with internal and published modifications).

NM_022828.5(YTHDC2):c.4226T>A (p.Leu1409Gln)

Gene: YTHDC2 (YTH N6-methyladenosine RNA binding protein C2; plus strand). Cytogenetic location: 5q22.2.
Variant type: single nucleotide variant.
Coding change: c.4226T>A on transcript NM_022828.5 (MANE Select); coding-DNA position 4226, T replaced by A.
Protein change: p.Leu1409Gln; replaces leucine 1409 with glutamine.
Molecular consequence: missense variant.
Genome position (GRCh38, 1-based): chr5:113,593,316, T>A. VCF-style: chr5-113593316-T-A. GRCh37 (hg19) VCF-style: chr5-112929013-T-A.
Other names: c.3740T>A, p.Leu1247Gln (NM_001345975.2); c.3326T>A, p.Leu1109Gln (NM_001345976.2); short protein forms L1109Q, L1247Q, L1409Q.
Identifiers: ClinVar variation 3060188 (VCV003060188.2), dbSNP rs1132528, ClinGen allele CA3372701.